The following is an entry in ClinVar:

NM_016507.4(CDK12):c.4252C>A (p.Gln1418Lys)

Gene: CDK12 (cyclin dependent kinase 12; plus strand). Cytogenetic location: 17q12.
Variant type: single nucleotide variant.
Coding change: c.4252C>A on transcript NM_016507.4 (MANE Select); coding-DNA position 4252, C replaced by A.
Protein change: p.Gln1418Lys; replaces glutamine 1418 with lysine.
Molecular consequence: missense variant.
Genome position (GRCh38, 1-based): chr17:39,531,095, C>A. VCF-style: chr17-39531095-C-A. GRCh37 (hg19) VCF-style: chr17-37687348-C-A.
Other names: c.4225C>A, p.Gln1409Lys (NM_015083.4); short protein forms Q1409K, Q1418K.
Identifiers: ClinVar variation 3830573 (VCV003830573.1).

ClinVar aggregate classification (germline): Uncertain significance (1 of 4 stars; one submission).

gnomAD v4.1: 1 of 1,591,838 alleles (0.000063%); highest among the groups gnomAD compares: Non-Finnish European, 0.000085%; no homozygotes.

Submission:

Ambry Genetics
Classification: Uncertain significance. Last evaluated: 2025-01-29. Review status: criteria provided, single submitter. Criteria: Ambry Variant Classification Scheme 2023. Collection method: clinical testing. Allele origin: germline.
Comment: The p.Q1418K variant (also known as c.4252C>A), located in coding exon 14 of the CDK12 gene, results from a C to A substitution at nucleotide position 4252. The glutamine at codon 1418 is replaced by lysine, an amino acid with similar properties. This amino acid position is conserved. In addition, this alteration is predicted to be tolerated by in silico analysis. Based on the available evidence, the clinical significance of this variant remains unclear.